The following is an entry in ClinVar:

ClinVar aggregate classification (germline): Uncertain significance (1 of 4 stars; one submission).

Allele frequency attached by ClinVar (database versions not stated): TOPMed below 0.00001.

Submission:

Ambry Genetics
Classification: Uncertain significance. Last evaluated: 2022-04-08. Review status: criteria provided, single submitter. Criteria: Ambry Variant Classification Scheme 2023. Collection method: clinical testing. Allele origin: germline.
Comment: The p.F778L variant (also known as c.2332T>C), located in coding exon 12 of the PALLD gene, results from a T to C substitution at nucleotide position 2332. The phenylalanine at codon 778 is replaced by leucine, an amino acid with highly similar properties. This amino acid position is conserved. In addition, this alteration is predicted to be tolerated by in silico analysis. Since supporting evidence is limited at this time, the clinical significance of this alteration remains unclear.

NM_001166108.2(PALLD):c.2383T>C (p.Phe795Leu)

Genes: CBR4 (carbonyl reductase 4; minus strand), PALLD (palladin, cytoskeletal associated protein; plus strand). Cytogenetic location: 4q32.3.
Variant type: single nucleotide variant.
Coding change: c.2383T>C on transcript NM_001166108.2 (MANE Select); coding-DNA position 2383, T replaced by C.
Protein change: p.Phe795Leu; replaces phenylalanine 795 with leucine.
Molecular consequence: missense variant.
Genome position (GRCh38, 1-based): chr4:168,898,625, T>C. VCF-style: chr4-168898625-T-C. GRCh37 (hg19) VCF-style: chr4-169819776-T-C.
Other names: c.1186T>C, p.Phe396Leu (NM_001166109.2); c.871T>C, p.Phe291Leu (NM_001166110.2); c.211T>C, p.Phe71Leu (NM_001367567.1, NM_001367569.1); c.262T>C, p.Phe88Leu (NM_001367568.1, NM_001367570.1); c.2332T>C, p.Phe778Leu (NM_016081.4); short protein forms F795L, F291L, F396L, F71L, F778L, F88L.
Identifiers: ClinVar variation 1789744 (VCV001789744.2), dbSNP rs1755789991, ClinGen allele CA358799008.